The following is an entry in ClinVar:

ClinVar aggregate classification (germline): Likely pathogenic (1 of 4 stars; one submission).

Conditions:
Coffin-Siris syndrome 1 (CSS1). Also called: ARID1B-Related Coffin-Siris Syndrome; Mental retardation, autosomal dominant 12. Identifiers: Orphanet 1465, MedGen C3281201, MONDO:0007617, OMIM 135900. Disease mechanism: gain of function.

Submission:

3billion
Classification: Likely pathogenic for Coffin-Siris syndrome 1. Last evaluated: 2025-01-31. Review status: criteria provided, single submitter. Criteria: ACMG Guidelines, 2015. Collection method: clinical testing. Allele origin: germline. Affected: yes.
Comment: The variant is not observed in the gnomAD v4.1.0 dataset. Predicted Consequence/Location: Frameshift: predicted to result in a loss or disruption of normal protein function through nonsense-mediated decay (NMD) or protein truncation. Multiple pathogenic variants are reported downstream of the variant. Therefore, this variant is classified as Likely pathogenic according to the recommendation of ACMG/AMP guideline.

NM_001374828.1(ARID1B):c.4122del (p.Asn1375fs)

Gene: ARID1B (AT-rich interaction domain 1B; plus strand). Cytogenetic location: 6q25.3.
Variant type: Deletion.
Coding change: c.4122del on transcript NM_001374828.1 (MANE Select); coding-DNA position 4122, one base deleted (G; older notation c.4122delG).
Protein change: p.Asn1375fs; shifts the reading frame from asparagine 1375.
Molecular consequence: frameshift variant.
Genome position (GRCh38, 1-based): chr6:157,190,101, G deleted; the last of 2 consecutive G bases (chr6:157,190,100-157,190,101); deleting either gives the same sequence. VCF-style (leftmost placement, unchanged base first): chr6-157190099-CG-C. GRCh37 (hg19) VCF-style: chr6-157511233-CG-C.
Other names: c.1623del, p.Asn542fs (NM_001363725.2); c.4002del, p.Asn1335fs (NM_001371656.1, NM_001374820.1); c.4251del, p.Asn1418fs (NM_001438482.1); c.4164del, p.Asn1389fs (NM_001438483.1); c.4032del, p.Asn1345fs (NM_001438485.1); c.4005del, p.Asn1336fs (NM_001438486.1); c.3942del, p.Asn1315fs (NM_001438487.1); c.1464del, p.Asn489fs (NM_001438488.1); and 1 more; short protein forms N1315fs, N1322fs, N1335fs, N1336fs, N1345fs, N1375fs, N1389fs, N1418fs.
Identifiers: ClinVar variation 4292758 (VCV004292758.1).